The following is an entry in ClinVar:

NM_000535.7(PMS2):c.1254del (p.Arg419fs)

Gene: PMS2 (PMS1 homolog 2, mismatch repair system component; minus strand). Cytogenetic location: 7p22.1.
Variant type: Deletion.
Coding change: c.1254del on transcript NM_000535.7 (MANE Select); coding-DNA position 1254, one base deleted (C; older notation c.1254delC).
Protein change: p.Arg419fs; shifts the reading frame from arginine 419.
Molecular consequence: frameshift variant. On other transcripts: non-coding transcript variant (1).
Genome position (GRCh38, 1-based): chr7:5,987,511, G deleted on the plus strand (C on the coding strand, the reverse complement: PMS2 is on the minus strand); the first of 2 consecutive G bases (chr7:5,987,511-5,987,512); deleting either gives the same sequence. VCF-style (leftmost placement, unchanged base first): chr7-5987510-TG-T. GRCh37 (hg19) VCF-style: chr7-6027141-TG-T.
Other names: p.Arg419Aspfs*29; c.848delC, p.Arg284Aspfs (NM_001018040.1, NM_001406887.1, NM_001406888.1 and 13 more transcripts); c.849del, p.Arg284fs (NM_001322003.2, NM_001322004.2, NM_001322005.2 and 1 more transcripts); c.1098del, p.Arg367fs (NM_001322006.2); c.936del, p.Arg313fs (NM_001322007.2, NM_001322008.2); c.693del, p.Arg232fs (NM_001322010.2); c.321del, p.Arg108fs (NM_001322011.2, NM_001322012.2); c.681del, p.Arg228fs (NM_001322013.2); and 21 more; short protein forms R313fs, R367fs, R232fs, R284fs, R228fs, R316fs, R419fs, R108fs.
Identifiers: ClinVar variation 1761481 (VCV001761481.11), dbSNP rs2535825476, ClinGen allele CA2580076980.

ClinVar aggregate classification (germline): Pathogenic/Likely pathogenic. Review status: criteria provided, multiple submitters, no conflicts (2 of 4 stars). 7 submissions from 7 submitters: Pathogenic (4); Likely pathogenic (3). Last evaluated 2025-09-17.

Conditions:
Hereditary nonpolyposis colorectal neoplasms. Identifiers: MedGen C0009405, MeSH D003123.
Hereditary cancer-predisposing syndrome. Also called: Neoplastic Syndromes, Hereditary; Tumor predisposition; Hereditary Cancer Syndrome; Hereditary neoplastic syndrome. Identifiers: Orphanet 140162, MedGen C0027672, MeSH D009386, MONDO:0015356.
Lynch syndrome. Identifiers: Orphanet 144, MedGen C4552100, MONDO:0005835. Disease mechanism: loss of function.
Lynch syndrome 4 (LYNCH4). Also called: Colorectal cancer, hereditary nonpolyposis, type 4; Hereditary non-polyposis colorectal cancer, type 4. Identifiers: Orphanet 144, MedGen C1838333, MONDO:0013699, OMIM 614337. Disease mechanism: loss of function.

Submissions (7):

Ambry Genetics
Classification: Pathogenic for Hereditary cancer-predisposing syndrome. Last evaluated: 2025-09-17. Review status: criteria provided, single submitter. Criteria: Ambry Variant Classification Scheme 2023. Collection method: clinical testing. Allele origin: germline.
Comment: The c.1254delC pathogenic mutation, located in coding exon 11 of the PMS2 gene, results from a deletion of one nucleotide at nucleotide position 1254, causing a translational frameshift with a predicted alternate stop codon (p.R419Dfs*29). This variant is considered to be rare based on population cohorts in the Genome Aggregation Database (gnomAD). This alteration is expected to result in loss of function by premature protein truncation or nonsense-mediated mRNA decay. As such, this alteration is interpreted as a disease-causing mutation.

Color Diagnostics, LLC DBA Color Health
Classification: Pathogenic for Hereditary cancer-predisposing syndrome. Last evaluated: 2025-07-09. Review status: criteria provided, single submitter. Criteria: ACMG Guidelines, 2015. Collection method: clinical testing. Allele origin: germline.
Comment: This variant deletes 1 nucleotide in exon 11/15 of the PMS2 gene, creating a frameshift and premature translation stop signal. This variant is expected to result in an absent or non-functional protein product. To our knowledge, this variant has not been reported in individuals affected with PMS2-related disorders in the literature. This variant has not been identified in the general population by the Genome Aggregation Database (gnomAD). Loss of PMS2 function is a known mechanism of disease. Based on the available evidence, this variant is classified as Pathogenic.

Labcorp Genetics (formerly Invitae), Labcorp
Classification: Pathogenic for Hereditary nonpolyposis colorectal neoplasms. Last evaluated: 2024-10-29. Review status: criteria provided, single submitter. Criteria: Invitae Variant Classification Sherloc (09022015). Collection method: clinical testing. Allele origin: germline.
Comment: This sequence change creates a premature translational stop signal (p.Arg419Aspfs*29) in the PMS2 gene. It is expected to result in an absent or disrupted protein product. Loss-of-function variants in PMS2 are known to be pathogenic (PMID: 21376568, 24362816). This variant is not present in population databases (gnomAD no frequency). This variant has not been reported in the literature in individuals affected with PMS2-related conditions. ClinVar contains an entry for this variant (Variation ID: 1761481). For these reasons, this variant has been classified as Pathogenic.

Myriad Genetics, Inc.
Classification: Pathogenic for Lynch syndrome 4. Last evaluated: 2023-09-20. Review status: criteria provided, single submitter. Criteria: Myriad Autosomal Dominant, Autosomal Recessive and X-Linked Classification Criteria (2023). Collection method: clinical testing. Allele origin: unknown.
Comment: This variant is considered pathogenic. This variant creates a frameshift predicted to result in premature protein truncation.

Baylor Genetics
Classification: Likely pathogenic for Lynch syndrome 4. Last evaluated: 2023-09-01. Review status: criteria provided, single submitter. Criteria: ACMG Guidelines, 2015. Collection method: clinical testing. Allele origin: unknown.

Mayo Clinic Laboratories, Mayo Clinic
Classification: Likely pathogenic. Last evaluated: 2023-06-13. Review status: criteria provided, single submitter. Criteria: ACMG Guidelines, 2015. Collection method: clinical testing. Allele origin: germline. Observed: 1 variant allele.
Comment: PM2, PVS1

Laboratory for Molecular Medicine, Mass General Brigham Personalized Medicine
Classification: Likely pathogenic for Lynch syndrome. Last evaluated: 2021-11-23. Review status: criteria provided, single submitter. Criteria: ACMG Guidelines, 2015. Collection method: clinical testing. Allele origin: germline. Inheritance: Autosomal dominant inheritance.
Comment: The p.Arg419AspfsX29 variant in PMS2 has not been reported in individuals with PMS2-associated cancers or in large population studies. This variant is predicted to cause a frameshift, which alters the protein’s amino acid sequence beginning at position 419 and leads to a premature termination codon 29 amino acids downstream. This alteration is then predicted to lead to a truncated or absent protein. Loss of function of the PMS2 gene is an established disease mechanism in autosomal dominant Lynch syndrome. In summary, although additional studies are required to fully establish its clinical significance, this variant meets criteria to be classified as likely pathogenic for autosomal dominant Lynch syndrome. ACMG/AMP Criteria applied: PVS1, PM2_Supporting.

Literature cited by the submitters: PubMed 21376568 (cited by Labcorp Genetics (formerly Invitae), Labcorp); PubMed 24362816 (cited by Labcorp Genetics (formerly Invitae), Labcorp).